The following is an entry in ClinVar:

NM_199420.4(POLQ):c.6430C>G (p.Pro2144Ala)

Gene: POLQ (DNA polymerase theta; minus strand). Cytogenetic location: 3q13.33.
Variant type: single nucleotide variant.
Coding change: c.6430C>G on transcript NM_199420.4 (MANE Select); coding-DNA position 6430, C replaced by G.
Protein change: p.Pro2144Ala; replaces proline 2144 with alanine.
Molecular consequence: missense variant.
Genome position (GRCh38, 1-based): chr3:121,473,463, G>C on the plus strand (C>G on the coding strand, the complement: POLQ is on the minus strand). VCF-style: chr3-121473463-G-C. GRCh37 (hg19) VCF-style: chr3-121192310-G-C.
Other names: short protein forms P2144A.
Identifiers: ClinVar variation 2497148 (VCV002497148.2), dbSNP rs375962847, ClinGen allele CA354086163.

ClinVar aggregate classification (germline): Uncertain significance (1 of 4 stars; one submission).

Submission:

Ambry Genetics
Classification: Uncertain significance. Last evaluated: 2022-12-18. Review status: criteria provided, single submitter. Criteria: Ambry Variant Classification Scheme 2023. Collection method: clinical testing. Allele origin: germline.
Comment: The p.P2144A variant (also known as c.6430C>G), located in coding exon 21 of the POLQ gene, results from a C to G substitution at nucleotide position 6430. The proline at codon 2144 is replaced by alanine, an amino acid with highly similar properties. This amino acid position is conserved. In addition, this alteration is predicted to be tolerated by in silico analysis. Since supporting evidence is limited at this time, the clinical significance of this alteration remains unclear.